The following is an entry in ClinVar:

ClinVar aggregate classification (germline): Uncertain significance (1 of 4 stars; one submission).

Submission:

Labcorp Genetics (formerly Invitae), Labcorp
Classification: Uncertain significance. Last evaluated: 2024-03-01. Review status: criteria provided, single submitter. Criteria: Invitae Variant Classification Sherloc (09022015). Collection method: clinical testing. Allele origin: germline.
Comment: This sequence change replaces aspartic acid, which is acidic and polar, with histidine, which is basic and polar, at codon 4959 of the PCLO protein (p.Asp4959His). This variant is not present in population databases (gnomAD no frequency). This variant has not been reported in the literature in individuals affected with PCLO-related conditions. Experimental studies and prediction algorithms are not available or were not evaluated, and the functional significance of this variant is currently unknown. In summary, the available evidence is currently insufficient to determine the role of this variant in disease. Therefore, it has been classified as a Variant of Uncertain Significance.

NM_033026.6(PCLO):c.14875G>C (p.Asp4959His)

Genes: PCLO (piccolo presynaptic cytomatrix protein; minus strand), LOC126860089 (MED14-independent group 3 enhancer GRCh37_chr7:82434470-82435669; plus strand). Cytogenetic location: 7q21.11.
Variant type: single nucleotide variant.
Coding change: c.14875G>C on transcript NM_033026.6 (MANE Select); coding-DNA position 14875, G replaced by C.
Protein change: p.Asp4959His; replaces aspartic acid 4959 with histidine.
Molecular consequence: missense variant.
Genome position (GRCh38, 1-based): chr7:82,805,746, C>G on the plus strand (G>C on the coding strand, the complement: PCLO is on the minus strand). VCF-style: chr7-82805746-C-G. GRCh37 (hg19) VCF-style: chr7-82435062-C-G.
Other names: short protein forms D4959H.
Identifiers: ClinVar variation 3606337 (VCV003606337.2).
Genomic context (GRCh38, chr7:82,805,746, plus strand): 5'-ACATCCTCGGAATAGGAAATAGATTAGTCTCCCCTGCAGTGCTGCTGCTTCCTTCACTGT[C>G]CACGCTATACCCACTGCCAAAGCTGCTGCCCGAGGAGCCGGTGGACACAGAGCTTTCTGC-3'
Protein context (NP_149015.2, residues 4949-4969): GSSFGSGYSV[Asp4959His]SEGSSSTAGE